The following is an entry in ClinVar:

NM_001845.6(COL4A1):c.4031_4049del (p.Gly1344fs)

Gene: COL4A1 (collagen type IV alpha 1 chain; minus strand). Cytogenetic location: 13q34.
Variant type: Deletion.
Coding change: c.4031_4049del on transcript NM_001845.6 (MANE Select); coding-DNA positions 4031 to 4049, 19 bases deleted (GTCCTCCTGGCCCCCCAGG).
Protein change: p.Gly1344fs; shifts the reading frame from glycine 1344.
Molecular consequence: frameshift variant.
Genome position (GRCh38, 1-based): chr13:110,164,963-110,164,981, CCTGGGGGGCCAGGAGGAC deleted on the plus strand (GTCCTCCTGGCCCCCCAGG on the coding strand, the reverse complement: COL4A1 is on the minus strand); deleting any 19 consecutive bases within chr13:110,164,963-110,164,983 gives the same sequence; the c. name uses the placement nearest the transcript's 3' end. VCF-style (leftmost placement, unchanged base first): chr13-110164962-ACCTGGGGGGCCAGGAGGAC-A. GRCh37 (hg19) VCF-style: chr13-110817309-ACCTGGGGGGCCAGGAGGAC-A.
Other names: short protein forms G1344fs.
Identifiers: ClinVar variation 4713182 (VCV004713182.1).

ClinVar aggregate classification (germline): Pathogenic (1 of 4 stars; one submission).

Submission:

Labcorp Genetics (formerly Invitae), Labcorp
Classification: Pathogenic. Last evaluated: 2025-08-26. Review status: criteria provided, single submitter. Criteria: Invitae Variant Classification Sherloc (09022015). Collection method: clinical testing. Allele origin: germline.
Comment: This sequence change creates a premature translational stop signal (p.Gly1344Valfs*21) in the COL4A1 gene. It is expected to result in an absent or disrupted protein product. Loss-of-function variants in COL4A1 are known to be pathogenic (PMID: 23225343). This variant is not present in population databases (gnomAD no frequency). This variant has not been reported in the literature in individuals affected with COL4A1-related conditions. For these reasons, this variant has been classified as Pathogenic.

Literature cited by the submitters: PubMed 23225343.